The following is an entry in ClinVar:

NM_020928.2(ZSWIM6):c.492G>C (p.Ala164=)

Gene: ZSWIM6 (zinc finger SWIM-type containing 6; plus strand). Cytogenetic location: 5q12.1.
Variant type: single nucleotide variant.
Coding change: c.492G>C on transcript NM_020928.2 (MANE Select); coding-DNA position 492, G replaced by C.
Protein change: p.Ala164=; no amino-acid change (alanine 164 retained).
Molecular consequence: synonymous variant.
Genome position (GRCh38, 1-based): chr5:61,332,764, G>C. VCF-style: chr5-61332764-G-C. GRCh37 (hg19) VCF-style: chr5-60628591-G-C.
Other names: c.492G>C (NM_020928.1).
Identifiers: ClinVar variation 1543763 (VCV001543763.19), dbSNP rs190547379, ClinGen allele CA119631694.

ClinVar aggregate classification (germline): Benign/Likely benign. Review status: criteria provided, multiple submitters, no conflicts (2 of 4 stars). 5 submissions from 5 submitters: Benign (3); Likely benign (2). Last evaluated 2026-10-01.

Conditions:
ZSWIM6-related disorder. Also called: ZSWIM6-related condition.

Allele frequency attached by ClinVar (database versions not stated): gnomAD 0.01837 and 0.01863.

Submissions (5):

CeGaT Center for Human Genetics Tuebingen
Classification: Likely benign. Last evaluated: 2026-10-01. Review status: criteria provided, single submitter. Criteria: CeGaT Center For Human Genetics Tuebingen Variant Classification Criteria Version 2. Collection method: clinical testing. Allele origin: germline. Affected: yes. Observed: 24 variant alleles.
Comment: ZSWIM6: BP4, BS1

PreventionGenetics, part of Exact Sciences
Classification: Likely benign for ZSWIM6-related condition. Last evaluated: 2025-10-16. Review status: criteria provided, single submitter. Criteria: ACMG Guidelines, 2015. Collection method: clinical testing. Allele origin: germline.
Comment: This variant is classified as likely benign based on ACMG/AMP sequence variant interpretation guidelines (Richards et al. 2015 PMID: 25741868, with internal and published modifications).

Laboratory of Genetics, Children's Clinical University Hospital Latvia
Classification: Benign. Last evaluated: 2025-02-16. Review status: criteria provided, single submitter. Criteria: ACMG Guidelines, 2015. Collection method: clinical testing. Allele origin: germline. Affected: yes.

Labcorp Genetics (formerly Invitae), Labcorp
Classification: Benign. Last evaluated: 2024-11-11. Review status: criteria provided, single submitter. Criteria: Invitae Variant Classification Sherloc (09022015). Collection method: clinical testing. Allele origin: germline.

Breakthrough Genomics
Classification: Benign. Review status: criteria provided, single submitter. Criteria: ACMG Guidelines, 2015. Collection method: not provided. Allele origin: germline. Inheritance: Autosomal dominant inheritance. Affected: yes.